The following is an entry in ClinVar:

ClinVar aggregate classification (germline): Pathogenic. Review status: criteria provided, multiple submitters, no conflicts (2 of 4 stars). 8 submissions from 8 submitters: Pathogenic (8). Last evaluated 2024-11-20.

Conditions:
CHARGE syndrome (CHARGE). Also called: CHARGE ASSOCIATION--COLOBOMA, HEART ANOMALY, CHOANAL ATRESIA, RETARDATION, GENITAL AND EAR ANOMALIES; Hittner Hirsch Kreh syndrome; Coloboma, heart anomaly, choanal atresia, retardation, genital and ear anomalies; CHARGE association; Hall-Hittner syndrome. Identifiers: Orphanet 138, MedGen C0265354, MONDO:0008965.
Hypogonadotropic hypogonadism 5 with or without anosmia (KAL5). Also called: HYPOGONADOTROPIC HYPOGONADISM 5 WITH ANOSMIA; HYPOGONADOTROPHIC HYPOGONADISM 5 WITHOUT ANOSMIA; CHD7-Related GnRH Deficiency (Kallmann Syndrome 5). Identifiers: Orphanet 478, MedGen C3552553, MONDO:0012880, OMIM 612370. Disease mechanism: loss of function.
Cystic fibrosis (CF). Also called: MUCOVISCIDOSIS. Identifiers: Orphanet 586, MedGen C0010674, MONDO:0009061, OMIM 219700. Disease mechanism: loss of function.

Submissions (8):

Johns Hopkins Genomics, Johns Hopkins University
Classification: Pathogenic for Cystic fibrosis. Last evaluated: 2024-11-20. Review status: criteria provided, single submitter. Criteria: ACMG Guidelines, 2015. Collection method: clinical testing. Allele origin: germline.
Comment: This CHD7 variant (rs587783450) is absent from a large population dataset and has been reported in ClinVar. It has been observed in multiple unrelated individuals with CHARGE syndrome. This nonsense variant results in a premature termination codon (PTC) in exon 31 of 38 likely leading to nonsense-mediated decay and lack of protein production. We consider c.6157C>T (p.Arg2053Ter) to be pathogenic for autosomal dominant CHD7 disorder.

Victorian Clinical Genetics Services, Murdoch Childrens Research Institute
Classification: Pathogenic for CHD7-related CHARGE syndrome. Last evaluated: 2024-10-09. Review status: criteria provided, single submitter. Criteria: ACMG Guidelines, 2015. Collection method: clinical testing. Allele origin: germline. Inheritance: Autosomal dominant inheritance. Affected: yes.
Comment: Based on the classification scheme VCGS_Germline_v1.3.4, this variant is classified as Pathogenic. Following criteria are met: 0102 - Loss of function is a known mechanism of disease in this gene and is associated with CHARGE syndrome (MIM#214800) and hypogonadotropic hypogonadism 5 with or without anosmia (MIM#612370). (I) 0107 - This gene is associated with autosomal dominant disease. (I) 0115 - Variants in this gene are known to have variable expressivity (PMID: 20301296). (I) 0201 - Variant is predicted to cause nonsense-mediated decay (NMD) and loss of protein (premature termination codon is located at least 54 nucleotides upstream of the final exon-exon junction). (SP) 0251 - This variant is heterozygous. (I) 0301 - Variant is absent from gnomAD (both v2 and v3). (SP) 0701 - Other NMD predicted variants comparable to the one identified in this case have very strong previous evidence for pathogenicity (DECIPHER). (SP) 0801 - This variant has strong previous evidence of pathogenicity in unrelated individuals. This variant has been classified as pathogenic by multiple clinical laboratories in ClinVar. (SP) Legend: (SP) - Supporting pathogenic, (I) - Information, (SB) - Supporting benign

CeGaT Center for Human Genetics Tuebingen
Classification: Pathogenic. Last evaluated: 2024-10-01. Review status: criteria provided, single submitter. Criteria: CeGaT Center For Human Genetics Tuebingen Variant Classification Criteria Version 2. Collection method: clinical testing. Allele origin: germline. Affected: yes. Observed: 4 variant alleles.
Comment: CHD7: PVS1, PS2, PM2, PS4:Moderate

Labcorp Genetics (formerly Invitae), Labcorp
Classification: Pathogenic for CHARGE syndrome. Last evaluated: 2024-08-21. Review status: criteria provided, single submitter. Criteria: Invitae Variant Classification Sherloc (09022015). Collection method: clinical testing. Allele origin: germline.
Comment: This sequence change creates a premature translational stop signal (p.Arg2053*) in the CHD7 gene. It is expected to result in an absent or disrupted protein product. Loss-of-function variants in CHD7 are known to be pathogenic (PMID: 22461308, 25077900). This variant is not present in population databases (gnomAD no frequency). This premature translational stop signal has been observed in individual(s) with CHARGE syndrome (PMID: 16400610, 22033296, 22462537, 25077900). ClinVar contains an entry for this variant (Variation ID: 158307). For these reasons, this variant has been classified as Pathogenic.

GeneDx
Classification: Pathogenic. Last evaluated: 2024-07-24. Review status: criteria provided, single submitter. Criteria: GeneDx Variant Classification Process June 2021. Collection method: clinical testing. Allele origin: germline. Affected: yes.
Comment: Nonsense variant predicted to result in protein truncation or nonsense mediated decay in a gene for which loss of function is a known mechanism of disease; Not observed at significant frequency in large population cohorts (gnomAD); This variant is associated with the following publications: (PMID: 25077900, 25525159, 22033296, 33844462, 16400610, 33777394, 16169932, 22462537)

3billion
Classification: Pathogenic for CHD7-related CHARGE syndrome. Last evaluated: 2023-07-18. Review status: criteria provided, single submitter. Criteria: ACMG Guidelines, 2015. Collection method: clinical testing. Allele origin: germline. Affected: yes.
Comment: The variant is not observed in the gnomAD v2.1.1 dataset. Predicted Consequence/Location: Stop-gained (nonsense): predicted to result in a loss or disruption of normal protein function through nonsense-mediated decay (NMD) or protein truncation. Multiple pathogenic variants are reported downstream of the variant. The variant has been reported at least twice as pathogenic with clinical assertions and evidence for the classification (ClinVar ID: VCV000158307 /PMID: 16400610). Therefore, this variant is classified as Pathogenic according to the recommendation of ACMG/AMP guideline.

Fulgent Genetics
Classification: Pathogenic for CHD7-related CHARGE syndrome; Hypogonadotropic hypogonadism 5 with or without anosmia. Last evaluated: 2018-10-31. Review status: criteria provided, single submitter. Criteria: ACMG Guidelines, 2015. Collection method: clinical testing. Allele origin: unknown.

Genetic Services Laboratory, University of Chicago
Classification: Pathogenic for CHARGE syndrome. Last evaluated: 2013-02-08. Review status: criteria provided, single submitter. Criteria: ACMG Guidelines, 2007. Collection method: clinical testing. Allele origin: germline. Inheritance: Autosomal dominant inheritance. Affected: yes.

Literature cited by the submitters: PubMed 16169932 (cited by Johns Hopkins Genomics, Johns Hopkins University); PubMed 16400610 (cited by 3 submitters); PubMed 22033296 (cited by Johns Hopkins Genomics, Johns Hopkins University and Labcorp Genetics (formerly Invitae), Labcorp); PubMed 22462537 (cited by Johns Hopkins Genomics, Johns Hopkins University and Labcorp Genetics (formerly Invitae), Labcorp); PubMed 25077900 (cited by Johns Hopkins Genomics, Johns Hopkins University and Labcorp Genetics (formerly Invitae), Labcorp); PubMed 20301296 (cited by Victorian Clinical Genetics Services, Murdoch Childrens Research Institute); PubMed 22461308 (cited by Labcorp Genetics (formerly Invitae), Labcorp).

NM_017780.4(CHD7):c.6157C>T (p.Arg2053Ter)

Gene: CHD7 (chromodomain helicase DNA binding protein 7; plus strand). Cytogenetic location: 8q12.2.
Variant type: single nucleotide variant.
Coding change: c.6157C>T on transcript NM_017780.4 (MANE Select); coding-DNA position 6157, C replaced by T.
Protein change: p.Arg2053Ter; replaces arginine 2053 with a stop codon.
Molecular consequence: nonsense. On other transcripts: intron variant (1).
Genome position (GRCh38, 1-based): chr8:60,852,882, C>T. VCF-style: chr8-60852882-C-T. GRCh37 (hg19) VCF-style: chr8-61765441-C-T.
Other names: c.6157C>T (LRG_176t1); c.1717-9347C>T (NM_001316690.1); short protein forms R2053*.
Identifiers: ClinVar variation 158307 (VCV000158307.61), dbSNP rs587783450, ClinGen allele CA271322.